The following is an entry in ClinVar:

ClinVar aggregate classification (germline): Uncertain significance (1 of 4 stars; one submission).

Submission:

Ambry Genetics
Classification: Uncertain significance. Last evaluated: 2024-08-12. Review status: criteria provided, single submitter. Criteria: Ambry Variant Classification Scheme 2023. Collection method: clinical testing. Allele origin: germline.
Comment: The p.D1405N variant (also known as c.4213G>A), located in coding exon 11 of the MLH3 gene, results from a G to A substitution at nucleotide position 4213. The aspartic acid at codon 1405 is replaced by asparagine, an amino acid with highly similar properties. This amino acid position is conserved. In addition, this alteration is predicted to be tolerated by in silico analysis. Based on the available evidence, the clinical significance of this variant remains unclear.

NM_001040108.2(MLH3):c.4213G>A (p.Asp1405Asn)

Gene: MLH3 (mutL homolog 3; minus strand). Cytogenetic location: 14q24.3.
Variant type: single nucleotide variant.
Coding change: c.4213G>A on transcript NM_001040108.2 (MANE Select); coding-DNA position 4213, G replaced by A.
Protein change: p.Asp1405Asn; replaces aspartic acid 1405 with asparagine.
Molecular consequence: missense variant.
Genome position (GRCh38, 1-based): chr14:75,018,858, C>T on the plus strand (G>A on the coding strand, the complement: MLH3 is on the minus strand). VCF-style: chr14-75018858-C-T. GRCh37 (hg19) VCF-style: chr14-75485561-C-T.
Other names: c.4141G>A, p.Asp1381Asn (NM_014381.3); short protein forms D1405N, D1381N.
Identifiers: ClinVar variation 3396687 (VCV003396687.1).